The following is an entry in ClinVar:

NM_005431.2(XRCC2):c.832G>T (p.Glu278Ter)

Gene: XRCC2 (X-ray repair cross complementing 2; minus strand). Cytogenetic location: 7q36.1.
Variant type: single nucleotide variant.
Coding change: c.832G>T on transcript NM_005431.2 (MANE Select); coding-DNA position 832, G replaced by T.
Protein change: p.Glu278Ter; replaces glutamic acid 278 with a stop codon.
Molecular consequence: nonsense.
Genome position (GRCh38, 1-based): chr7:152,648,653, C>A on the plus strand (G>T on the coding strand, the complement: XRCC2 is on the minus strand). VCF-style: chr7-152648653-C-A. GRCh37 (hg19) VCF-style: chr7-152345738-C-A.
Other names: short protein forms E278*.
Identifiers: ClinVar variation 4705576 (VCV004705576.1).

ClinVar aggregate classification (germline): Uncertain significance (1 of 4 stars; one submission).

Submission:

Labcorp Genetics (formerly Invitae), Labcorp
Classification: Uncertain significance. Last evaluated: 2025-08-15. Review status: criteria provided, single submitter. Criteria: Invitae Variant Classification Sherloc (09022015). Collection method: clinical testing. Allele origin: germline.
Comment: This sequence change creates a premature translational stop signal (p.Glu278*) in the XRCC2 gene. While this is not anticipated to result in nonsense mediated decay, it is expected to disrupt the last 3 amino acid(s) of the XRCC2 protein. This variant is not present in population databases (gnomAD no frequency). This variant has not been reported in the literature in individuals affected with XRCC2-related conditions. Experimental studies and prediction algorithms are not available or were not evaluated, and the functional significance of this variant is currently unknown. In summary, the available evidence is currently insufficient to determine the role of this variant in disease. Therefore, it has been classified as a Variant of Uncertain Significance.